The following is an entry in ClinVar:

NM_021254.4(CFAP298):c.415G>A (p.Val139Met)

Genes: CFAP298 (cilia and flagella associated protein 298; minus strand), CFAP298-TCP10L (CFAP298-TCP10L readthrough; minus strand). Cytogenetic location: 21q22.11.
Variant type: single nucleotide variant.
Coding change: c.415G>A on transcript NM_021254.4 (MANE Select); coding-DNA position 415, G replaced by A.
Protein change: p.Val139Met; replaces valine 139 with methionine.
Molecular consequence: missense variant. On other transcripts: non-coding transcript variant (2).
Genome position (GRCh38, 1-based): chr21:32,604,244, C>T on the plus strand (G>A on the coding strand, the complement: CFAP298 is on the minus strand). VCF-style: chr21-32604244-C-T. GRCh37 (hg19) VCF-style: chr21-33976554-C-T.
Other names: c.415G>A, p.Val139Met (NM_001350337.2, NM_001350335.2, NM_001350336.2 and 1 more transcripts); c.118G>A, p.Val40Met (NM_001350334.2); short protein forms V139M, V40M.
Identifiers: ClinVar variation 3716436 (VCV003716436.2).

ClinVar aggregate classification (germline): Uncertain significance (1 of 4 stars; one submission).

Submission:

Labcorp Genetics (formerly Invitae), Labcorp
Classification: Uncertain significance. Last evaluated: 2024-09-14. Review status: criteria provided, single submitter. Criteria: Invitae Variant Classification Sherloc (09022015). Collection method: clinical testing. Allele origin: germline.
Comment: This sequence change replaces valine, which is neutral and non-polar, with methionine, which is neutral and non-polar, at codon 139 of the CFAP298 protein (p.Val139Met). This variant is present in population databases (no rsID available, gnomAD 0.003%). This variant has not been reported in the literature in individuals affected with CFAP298-related conditions. An algorithm developed to predict the effect of missense changes on protein structure and function (PolyPhen-2) suggests that this variant is likely to be disruptive. In summary, the available evidence is currently insufficient to determine the role of this variant in disease. Therefore, it has been classified as a Variant of Uncertain Significance.